The following is an entry in ClinVar:

ClinVar aggregate classification (germline): Uncertain significance. Review status: criteria provided, multiple submitters, no conflicts (2 of 4 stars). 2 submissions from 2 submitters: Uncertain significance (2). Last evaluated 2024-12-30.

Conditions:
MHC class II deficiency. Also called: BLS, TYPE II; Bare lymphocyte syndrome 2. Identifiers: Orphanet 572, MedGen C5447452, MONDO:0008855.

Allele frequency attached by ClinVar (database versions not stated): ExAC 0.00016; 1000 Genomes Project 30x 0.00031; 1000 Genomes Project 0.00040; TOPMed 0.00003; gnomAD 0.00004 and 0.00005; gnomAD exomes 0.00006 and 0.00007.
gnomAD v4.1: 92 of 1,557,214 alleles (0.0059%); highest among the groups gnomAD compares: Non-Finnish European, 0.0075%; no homozygotes.

Submissions (2):

Ambry Genetics
Classification: Uncertain significance. Last evaluated: 2024-12-30. Review status: criteria provided, single submitter. Criteria: Ambry Variant Classification Scheme 2023. Collection method: clinical testing. Allele origin: germline.

Labcorp Genetics (formerly Invitae), Labcorp
Classification: Uncertain significance for MHC class II deficiency. Last evaluated: 2021-08-31. Review status: criteria provided, single submitter. Criteria: Invitae Variant Classification Sherloc (09022015). Collection method: clinical testing. Allele origin: germline.
Comment: This sequence change replaces glycine with glutamic acid at codon 134 of the RFXAP protein (p.Gly134Glu). The glycine residue is moderately conserved and there is a moderate physicochemical difference between glycine and glutamic acid. This variant is present in population databases (rs530562598, ExAC 0.03%). This variant has not been reported in the literature in individuals affected with RFXAP-related conditions. Algorithms developed to predict the effect of missense changes on protein structure and function are either unavailable or do not agree on the potential impact of this missense change (SIFT: "Deleterious"; PolyPhen-2: "Probably Damaging"; Align-GVGD: "Class C0"). Algorithms developed to predict the effect of sequence changes on RNA splicing suggest that this variant may create or strengthen a splice site. In summary, the available evidence is currently insufficient to determine the role of this variant in disease. Therefore, it has been classified as a Variant of Uncertain Significance.

NM_000538.4(RFXAP):c.401G>A (p.Gly134Glu)

Genes: RFXAP (regulatory factor X associated protein; plus strand), LOC130009574 (ATAC-STARR-seq lymphoblastoid active region 7589; plus strand). Cytogenetic location: 13q13.3.
Variant type: single nucleotide variant.
Coding change: c.401G>A on transcript NM_000538.4 (MANE Select); coding-DNA position 401, G replaced by A.
Protein change: p.Gly134Glu; replaces glycine 134 with glutamic acid.
Molecular consequence: missense variant.
Genome position (GRCh38, 1-based): chr13:36,819,758, G>A. VCF-style: chr13-36819758-G-A. GRCh37 (hg19) VCF-style: chr13-37393895-G-A.
Other names: c.401G>A (NM_000538.3); short protein forms G134E.
Identifiers: ClinVar variation 1045788 (VCV001045788.3), dbSNP rs530562598, ClinGen allele CA6950206.